The following is an entry in ClinVar:

ClinVar aggregate classification (germline): Uncertain significance. Review status: criteria provided, multiple submitters, no conflicts (2 of 4 stars). 2 submissions from 2 submitters: Uncertain significance (2). Last evaluated 2025-10-12.

Conditions:
Immunodeficiency 14 (IMD14A). Also called: IMMUNODEFICIENCY 14A WITH LYMPHOPROLIFERATION, AUTOSOMAL DOMINANT; Activated PI3K Delta Syndrome Type 1 (APDS1); p110-DELTA-ACTIVATING MUTATION CAUSING SENESCENT T CELLS, LYMPHADENOPATHY, AND IMMUNODEFICIENCY; ACTIVATED PI3K-DELTA SYNDROME 1. Identifiers: Orphanet 397596, Orphanet 693661, MedGen C5907821, MONDO:0014222, OMIM 615513.

Allele frequency attached by ClinVar (database versions not stated): gnomAD 0.00002; TOPMed 0.00002.
gnomAD v4.1: 15 of 1,613,552 alleles (0.00093%); highest among the groups gnomAD compares: Admixed American, 0.01%; no homozygotes.

Submissions (2):

Labcorp Genetics (formerly Invitae), Labcorp
Classification: Uncertain significance for Activated PI3K-delta syndrome. Last evaluated: 2025-10-12. Review status: criteria provided, single submitter. Criteria: Invitae Variant Classification Sherloc (09022015). Collection method: clinical testing. Allele origin: germline.
Comment: This sequence change replaces arginine, which is basic and polar, with cysteine, which is neutral and slightly polar, at codon 641 of the PIK3CD protein (p.Arg641Cys). This variant is present in population databases (rs768262076, gnomAD 0.01%). This variant has not been reported in the literature in individuals affected with PIK3CD-related conditions. ClinVar contains an entry for this variant (Variation ID: 2197693). Invitae Evidence Modeling of protein sequence and biophysical properties (such as structural, functional, and spatial information, amino acid conservation, physicochemical variation, residue mobility, and thermodynamic stability) indicates that this missense variant is not expected to disrupt PIK3CD protein function with a negative predictive value of 80%. In summary, the available evidence is currently insufficient to determine the role of this variant in disease. Therefore, it has been classified as a Variant of Uncertain Significance.

Blueprint Genetics
Classification: Uncertain significance. Last evaluated: 2020-01-05. Review status: criteria provided, single submitter. Criteria: ACMG Guidelines, 2015. Collection method: clinical testing. Allele origin: germline.

NM_005026.5(PIK3CD):c.1921C>T (p.Arg641Cys)

Gene: PIK3CD (phosphatidylinositol-4,5-bisphosphate 3-kinase catalytic subunit delta; plus strand). Cytogenetic location: 1p36.22.
Variant type: single nucleotide variant.
Coding change: c.1921C>T on transcript NM_005026.5 (MANE Select); coding-DNA position 1921, C replaced by T.
Protein change: p.Arg641Cys; replaces arginine 641 with cysteine.
Molecular consequence: missense variant.
Genome position (GRCh38, 1-based): chr1:9,721,553, C>T. VCF-style: chr1-9721553-C-T. GRCh37 (hg19) VCF-style: chr1-9781611-C-T.
Other names: c.1918C>T, p.Arg640Cys (NM_001350234.2); c.1834C>T, p.Arg612Cys (NM_001350235.1); short protein forms R612C, R641C, R640C.
Identifiers: ClinVar variation 2197693 (VCV002197693.5), dbSNP rs768262076, ClinGen allele CA577361.